The following is an entry in ClinVar:

NM_000458.4(HNF1B):c.912_913delinsTT (p.Arg304_Lys305delinsSerTer)

Gene: HNF1B (HNF1 homeobox B; minus strand). Cytogenetic location: 17q12.
Variant type: Indel.
Coding change: c.912_913delinsTT on transcript NM_000458.4 (MANE Select); coding-DNA positions 912 to 913, GA replaced by TT.
Protein change: p.Arg304_Lys305delinsSerTer.
Molecular consequence: nonsense.
Genome position (GRCh38, 1-based): chr17:37,731,727-37,731,728, TC replaced by AA on the plus strand (GA replaced by TT on the coding strand, the reverse complement: HNF1B is on the minus strand). VCF-style: chr17-37731727-TC-AA. GRCh37 (hg19) VCF-style: chr17-36091718-TC-AA.
Other names: c.834_835delinsTT, p.Arg278_Lys279delinsSerTer (NM_001165923.4, NM_001304286.2); c.912_913delinsTT, p.Arg304_Lys305delinsSerTer (NM_001411100.1).
Identifiers: ClinVar variation 3650476 (VCV003650476.2).
Genomic context (GRCh38, chr17:37,731,727, plus strand): 5'-TGTGAGTCTGGTTGGAGCTATAGGCGTCCATGGCCAGCTTTTGCCGGAATGCCTCCTCCT[TC>AA]CTGCGGTTTGCAAACCAGTTGTAGACACGGACCTCAGTGACCAAGTTGGAGCCCAGGCCG-3'

ClinVar aggregate classification (germline): Pathogenic (1 of 4 stars; one submission).

Submission:

Labcorp Genetics (formerly Invitae), Labcorp
Classification: Pathogenic. Last evaluated: 2025-06-12. Review status: criteria provided, single submitter. Criteria: Invitae Variant Classification Sherloc (09022015). Collection method: clinical testing. Allele origin: germline.
Comment: This sequence change creates a premature translational stop signal (p.Arg304_Lys305delinsSer*) in the HNF1B gene. It is expected to result in an absent or disrupted protein product. Loss-of-function variants in HNF1B are known to be pathogenic (PMID: 9398836, 12148114, 15068978, 20378641). Information on the frequency of this variant in the gnomAD database is not available, as this variant may be reported differently in the database. This variant has not been reported in the literature in individuals affected with HNF1B-related conditions. ClinVar contains an entry for this variant (Variation ID: 3650476). For these reasons, this variant has been classified as Pathogenic.

Literature cited by the submitters: PubMed 9398836; PubMed 12148114; PubMed 15068978; PubMed 20378641.